The following is an entry in ClinVar:

ClinVar aggregate classification (germline): Likely benign (0 of 4 stars; one submission).

Conditions:
TDRD6-related disorder. Also called: TDRD6-related condition.

Allele frequency attached by ClinVar (database versions not stated): ESP Exome Variant Server 0.00008; gnomAD exomes 0.00008; gnomAD 0.00011; TOPMed 0.00019; 1000 Genomes Project 0.00020; ExAC 0.00024; 1000 Genomes Project 30x 0.00078.

Submission:

PreventionGenetics, part of Exact Sciences
Classification: Likely benign for TDRD6-related condition. Last evaluated: 2023-07-09. Review status: no assertion criteria provided. Collection method: clinical testing. Allele origin: germline.
Comment: This variant is classified as likely benign based on ACMG/AMP sequence variant interpretation guidelines (Richards et al. 2015 PMID: 25741868, with internal and published modifications).

NM_001010870.3(TDRD6):c.5865G>A (p.Met1955Ile)

Gene: TDRD6 (tudor domain containing 6; plus strand). Cytogenetic location: 6p12.3.
Variant type: single nucleotide variant.
Coding change: c.5865G>A on transcript NM_001010870.3 (MANE Select); coding-DNA position 5865, G replaced by A.
Protein change: p.Met1955Ile; replaces methionine 1955 with isoleucine.
Molecular consequence: missense variant.
Genome position (GRCh38, 1-based): chr6:46,693,993, G>A. VCF-style: chr6-46693993-G-A. GRCh37 (hg19) VCF-style: chr6-46661730-G-A.
Other names: c.5865G>A, p.Met1955Ile (NM_001168359.2); short protein forms M1955I.
Identifiers: ClinVar variation 3037119 (VCV003037119.2), dbSNP rs142657432, ClinGen allele CA3839886.